The following is an entry in ClinVar:

ClinVar aggregate classification (germline): Conflicting classifications of pathogenicity. Review status: criteria provided, conflicting classifications (1 of 4 stars). 7 submissions from 5 submitters: Uncertain significance (6); Likely benign (1). Last evaluated 2026-01-16.

Conditions:
Hereditary spastic paraplegia 11. Also called: Spastic paraplegia, mental retardation and thin corpus callosum; Nakamura Osame syndrome; Autosomal recessive hereditary spastic paraplegia, mental impairment, and thin corpus callosum; SPASTIC PARAPLEGIA, AUTOSOMAL RECESSIVE, COMPLICATED, WITH THIN CORPUS CALLOSUM; SPASTIC PARAPLEGIA, AUTOSOMAL RECESSIVE, WITH MENTAL IMPAIRMENT AND THIN CORPUS CALLOSUM; Spastic Paraplegia 11. Identifiers: Orphanet 2822, MedGen C1858479, MONDO:0011445, OMIM 604360.
Amyotrophic lateral sclerosis type 5 (ALS5). Also called: AMYOTROPHIC LATERAL SCLEROSIS 5, JUVENILE. Identifiers: Orphanet 300605, MedGen C1865864, MONDO:0011196, OMIM 602099.
Inborn genetic diseases. Identifiers: MedGen C0950123, MeSH D030342.
Charcot-Marie-Tooth disease axonal type 2X. Also called: CHARCOT-MARIE-TOOTH DISEASE, AXONAL, AUTOSOMAL RECESSIVE, TYPE 2X; CHARCOT-MARIE-TOOTH NEUROPATHY, TYPE 2X. Identifiers: Orphanet 466775, MedGen C5569024, MONDO:0014726, OMIM 616668.

Allele frequency attached by ClinVar (database versions not stated): gnomAD exomes 0.00001 and 0.00003; ExAC 0.00004; ESP Exome Variant Server 0.00008; TOPMed 0.00014; 1000 Genomes Project 30x 0.00016; gnomAD 0.00017; 1000 Genomes Project 0.00020.

Submissions (7):

Labcorp Genetics (formerly Invitae), Labcorp
Classification: Likely benign for Hereditary spastic paraplegia 11. Last evaluated: 2026-01-16. Review status: criteria provided, single submitter. Criteria: Invitae Variant Classification Sherloc (09022015). Collection method: clinical testing. Allele origin: germline.

Women's Health and Genetics/Laboratory Corporation of America, LabCorp
Classification: Uncertain significance. Last evaluated: 2025-12-02. Review status: criteria provided, single submitter. Criteria: LabCorp Variant Classification Summary - May 2015. Collection method: clinical testing. Allele origin: germline.
Comment: Variant summary: SPG11 c.4873C>T (p.Leu1625Phe) results in a non-conservative amino acid change in the encoded protein sequence. Algorithms developed to predict the effect of missense changes on protein structure and function all suggest that this variant is likely to be disruptive. The variant allele was found at a frequency of 3.2e-05 in 251322 control chromosomes, predominantly at a frequency of 0.00037 within the African or African-American subpopulation in the gnomAD database. The available data on variant occurrences in the general population are insufficient to allow any conclusion about variant significance. To our knowledge, no occurrence of c.4873C>T in individuals affected with SPG11-related conditions and no experimental evidence demonstrating its impact on protein function have been reported. The following publication has been ascertained in the context of this evaluation (PMID: 34944995). ClinVar contains an entry for this variant (Variation ID: 840653). Based on the evidence outlined above, the variant was classified as uncertain significance.

Ambry Genetics
Classification: Uncertain significance for Inborn genetic diseases. Last evaluated: 2025-01-09. Review status: criteria provided, single submitter. Criteria: Ambry Variant Classification Scheme 2023. Collection method: clinical testing. Allele origin: germline.

GeneDx
Classification: Uncertain significance. Last evaluated: 2019-11-05. Review status: criteria provided, single submitter. Criteria: GeneDx Variant Classification Process June 2021. Collection method: clinical testing. Allele origin: germline. Affected: yes.
Comment: In silico analysis, which includes protein predictors and evolutionary conservation, supports that this variant does not alter protein structure/function; Has not been previously published as pathogenic or benign to our knowledge

Genome-Nilou Lab
Classification: Uncertain significance for Amyotrophic lateral sclerosis type 5. Review status: criteria provided, single submitter. Criteria: ACMG Guidelines, 2015. Collection method: clinical testing. Allele origin: germline.

Genome-Nilou Lab
Classification: Uncertain significance for Charcot-Marie-Tooth disease axonal type 2X. Review status: criteria provided, single submitter. Criteria: ACMG Guidelines, 2015. Collection method: clinical testing. Allele origin: germline.

Genome-Nilou Lab
Classification: Uncertain significance for Hereditary spastic paraplegia 11. Review status: criteria provided, single submitter. Criteria: ACMG Guidelines, 2015. Collection method: clinical testing. Allele origin: germline.

Literature cited by the submitters: PubMed 34944995 (cited by Women's Health and Genetics/Laboratory Corporation of America, LabCorp).

NM_025137.4(SPG11):c.4873C>T (p.Leu1625Phe)

Gene: SPG11 (SPG11 vesicle trafficking associated, spatacsin; minus strand). Cytogenetic location: 15q21.1.
Variant type: single nucleotide variant.
Coding change: c.4873C>T on transcript NM_025137.4 (MANE Select); coding-DNA position 4873, C replaced by T.
Protein change: p.Leu1625Phe; replaces leucine 1625 with phenylalanine.
Molecular consequence: missense variant.
Genome position (GRCh38, 1-based): chr15:44,589,285, G>A on the plus strand (C>T on the coding strand, the complement: SPG11 is on the minus strand). VCF-style: chr15-44589285-G-A. GRCh37 (hg19) VCF-style: chr15-44881483-G-A.
Other names: c.4873C>T, p.Leu1625Phe (NM_001160227.2); short protein forms L1625F.
Identifiers: ClinVar variation 840653 (VCV000840653.16), dbSNP rs371716779, ClinGen allele CA7534565.